The following is an entry in ClinVar:

ClinVar aggregate classification (germline): Uncertain significance (1 of 4 stars; one submission).

Conditions:
Catecholaminergic polymorphic ventricular tachycardia 1. Also called: RYR2-Related Catecholaminergic Polymorphic Ventricular Tachycardia; VENTRICULAR TACHYCARDIA, STRESS-INDUCED POLYMORPHIC 1; VENTRICULAR TACHYCARDIA, CATECHOLAMINERGIC POLYMORPHIC, 1, WITH OR WITHOUT ATRIAL DYSFUNCTION AND/OR DILATED CARDIOMYOPATHY. Identifiers: Orphanet 3286, MedGen C1631597, MONDO:0011484, OMIM 604772.

Submission:

Labcorp Genetics (formerly Invitae), Labcorp
Classification: Uncertain significance for Catecholaminergic polymorphic ventricular tachycardia 1. Last evaluated: 2022-10-18. Review status: criteria provided, single submitter. Criteria: Invitae Variant Classification Sherloc (09022015). Collection method: clinical testing. Allele origin: germline.
Comment: A copy number gain of the genomic region encompassing the full coding sequence of the TRDN gene has been identified. The boundaries of this event are unknown as they extend beyond the assayed region for this gene and therefore may encompass additional genes. As the precise location of this event is unknown, it may be in tandem or it may be located elsewhere in the genome. This variant has not been reported in the literature in individuals affected with TRDN-related conditions. In summary, the available evidence is currently insufficient to determine the role of this variant in disease. Therefore, it has been classified as a Variant of Uncertain Significance.

NC_000006.11:g.(?_123539746)_(123957920_?)dup

Gene: TRDN (triadin; minus strand). Cytogenetic location: 6q22.31.
Variant type: Duplication.
Identifiers: ClinVar variation 1411466 (VCV001411466.42).